The following is an entry in ClinVar:

ClinVar aggregate classification (germline): Uncertain significance. Review status: criteria provided, multiple submitters, no conflicts (2 of 4 stars). 3 submissions from 3 submitters: Uncertain significance (3). Last evaluated 2025-07-15.

Conditions:
Inborn genetic diseases. Identifiers: MedGen C0950123, MeSH D030342.
Lethal multiple pterygium syndrome (LMPS). Identifiers: Orphanet 33108, MedGen C1854678, MONDO:0009668, OMIM 253290.

Allele frequency attached by ClinVar (database versions not stated): gnomAD exomes 0.00002 and 0.00010; ExAC 0.00013; 1000 Genomes Project 0.00020; ESP Exome Variant Server 0.00023; gnomAD 0.00029 and 0.00030; 1000 Genomes Project 30x 0.00031; TOPMed 0.00039.
gnomAD v4.1: 80 of 1,612,980 alleles (0.005%); highest among the groups gnomAD compares: African/African-American, 0.061%; no homozygotes.

Submissions (3):

Labcorp Genetics (formerly Invitae), Labcorp
Classification: Uncertain significance for Lethal multiple pterygium syndrome. Last evaluated: 2025-07-15. Review status: criteria provided, single submitter. Criteria: Invitae Variant Classification Sherloc (09022015). Collection method: clinical testing. Allele origin: germline.
Comment: This sequence change replaces proline, which is neutral and non-polar, with leucine, which is neutral and non-polar, at codon 356 of the CHRND protein (p.Pro356Leu). This variant is present in population databases (rs200671975, gnomAD 0.1%). This variant has not been reported in the literature in individuals affected with CHRND-related conditions. ClinVar contains an entry for this variant (Variation ID: 466187). Invitae Evidence Modeling of protein sequence and biophysical properties (such as structural, functional, and spatial information, amino acid conservation, physicochemical variation, residue mobility, and thermodynamic stability) indicates that this missense variant is expected to disrupt CHRND protein function with a positive predictive value of 95%. In summary, the available evidence is currently insufficient to determine the role of this variant in disease. Therefore, it has been classified as a Variant of Uncertain Significance.

Ambry Genetics
Classification: Uncertain significance for Inborn genetic diseases. Last evaluated: 2021-08-13. Review status: criteria provided, single submitter. Criteria: Ambry Variant Classification Scheme 2023. Collection method: clinical testing. Allele origin: germline.

Revvity Omics, Revvity
Classification: Uncertain significance. Last evaluated: 2019-10-15. Review status: criteria provided, single submitter. Criteria: ACMG Guidelines, 2015. Collection method: clinical testing. Allele origin: germline.

NM_000751.3(CHRND):c.1067C>T (p.Pro356Leu)

Gene: CHRND (cholinergic receptor nicotinic delta subunit; plus strand). Cytogenetic location: 2q37.1.
Variant type: single nucleotide variant.
Coding change: c.1067C>T on transcript NM_000751.3 (MANE Select); coding-DNA position 1067, C replaced by T.
Protein change: p.Pro356Leu; replaces proline 356 with leucine.
Molecular consequence: missense variant.
Genome position (GRCh38, 1-based): chr2:232,533,950, C>T. VCF-style: chr2-232533950-C-T. GRCh37 (hg19) VCF-style: chr2-233398660-C-T.
Other names: c.1022C>T, p.Pro341Leu (NM_001256657.2); c.485C>T, p.Pro162Leu (NM_001311195.2); c.764C>T, p.Pro255Leu (NM_001311196.2); c.1067C>T (NM_000751.1); short protein forms P356L, P162L, P255L, P341L.
Identifiers: ClinVar variation 466187 (VCV000466187.13), dbSNP rs200671975, ClinGen allele CA2168258.